The following is an entry in ClinVar:

ClinVar aggregate classification (germline): Pathogenic/Likely pathogenic. Review status: criteria provided, multiple submitters, no conflicts (2 of 4 stars). 3 submissions from 3 submitters: Pathogenic (1); Likely pathogenic (1). 1 of the submissions does not count toward it. Last evaluated 2025-10-27.

Conditions:
Hereditary cancer-predisposing syndrome. Also called: Tumor predisposition; Hereditary Cancer Syndrome; Hereditary neoplastic syndrome; Neoplastic Syndromes, Hereditary. Identifiers: Orphanet 140162, MedGen C0027672, MeSH D009386, MONDO:0015356.
Lynch syndrome 5 (LYNCH5). Also called: Colorectal cancer, hereditary nonpolyposis, type 5; Hereditary non-polyposis colorectal cancer, type 5. Identifiers: Orphanet 144, MedGen C1833477, MONDO:0013710, OMIM 614350. Disease mechanism: loss of function.
Hereditary nonpolyposis colorectal neoplasms. Identifiers: MedGen C0009405, MeSH D003123.

Allele frequency attached by ClinVar (database versions not stated): gnomAD exomes below 0.00001.

Submissions (3):

Labcorp Genetics (formerly Invitae), Labcorp
Classification: Pathogenic for Hereditary nonpolyposis colorectal neoplasms. Last evaluated: 2025-10-27. Review status: criteria provided, single submitter. Criteria: Invitae Variant Classification Sherloc (09022015). Collection method: clinical testing. Allele origin: germline.
Comment: This sequence change replaces cysteine, which is neutral and slightly polar, with arginine, which is basic and polar, at codon 694 of the MSH6 protein (p.Cys694Arg). This variant is not present in population databases (gnomAD no frequency). This missense change has been observed in individual(s) with colorectal cancer (PMID: 21520333; internal data). It has also been observed to segregate with disease in related individuals. ClinVar contains an entry for this variant (Variation ID: 89248). Invitae Evidence Modeling incorporating data from in vitro experimental studies (internal data) indicates that this missense variant is expected to disrupt MSH6 function with a positive predictive value of 95%. Experimental studies have shown that this missense change affects MSH6 function (PMID: 31965077). For these reasons, this variant has been classified as Pathogenic.

Myriad Genetics, Inc.
Classification: Likely pathogenic for Lynch syndrome 5. Last evaluated: 2023-08-16. Review status: criteria provided, single submitter. Criteria: Myriad Autosomal Dominant, Autosomal Recessive and X-Linked Classification Criteria (2023). Collection method: clinical testing. Allele origin: unknown.
Comment: This variant is considered likely pathogenic. Functional studies indicate this variant impacts protein function [PMID: 31965077]. This variant is expected to disrupt protein structure [Myriad internal data].

Color Diagnostics, LLC DBA Color Health
Classification: Uncertain significance for Hereditary cancer-predisposing syndrome. Last evaluated: 2019-01-10. Review status: flagged submission. Criteria: ACMG Guidelines, 2015. Collection method: clinical testing. Allele origin: germline. Not counted in ClinVar's aggregate classification.
ClinVar note: Reason: Outlier claim with insufficient supporting evidence

Literature cited by the submitters: PubMed 21520333 (cited by Labcorp Genetics (formerly Invitae), Labcorp); PubMed 31965077 (cited by Labcorp Genetics (formerly Invitae), Labcorp and Myriad Genetics, Inc.).

NM_000179.3(MSH6):c.2080T>C (p.Cys694Arg)

Gene: MSH6 (mutS homolog 6; plus strand). Cytogenetic location: 2p16.3.
Variant type: single nucleotide variant.
Coding change: c.2080T>C on transcript NM_000179.3 (MANE Select); coding-DNA position 2080, T replaced by C.
Protein change: p.Cys694Arg; replaces cysteine 694 with arginine.
Molecular consequence: missense variant.
Genome position (GRCh38, 1-based): chr2:47,800,063, T>C. VCF-style: chr2-47800063-T-C. GRCh37 (hg19) VCF-style: chr2-48027202-T-C.
Other names: c.1690T>C, p.Cys564Arg (NM_001281492.2); c.1174T>C, p.Cys392Arg (NM_001281493.2, NM_001281494.2); short protein forms C694R, C392R, C564R.
Identifiers: ClinVar variation 89248 (VCV000089248.13), dbSNP rs587779228, ClinGen allele CA009656.